The following is an entry in ClinVar:

NM_001329943.3(KIAA0586):c.848A>G (p.Gln283Arg)

Gene: KIAA0586 (KIAA0586; plus strand). Cytogenetic location: 14q23.1.
Variant type: single nucleotide variant.
Coding change: c.848A>G on transcript NM_001329943.3 (MANE Select); coding-DNA position 848, A replaced by G.
Protein change: p.Gln283Arg; replaces glutamine 283 with arginine.
Molecular consequence: missense variant.
Genome position (GRCh38, 1-based): chr14:58,448,380, A>G. VCF-style: chr14-58448380-A-G. GRCh37 (hg19) VCF-style: chr14-58915098-A-G.
Other names: c.716A>G, p.Gln239Arg (NM_001244192.2); c.428A>G, p.Gln143Arg (NM_001244193.2); c.848A>G, p.Gln283Arg (NM_001329944.2, NM_001329946.2, NM_001329947.2 and 1 more transcripts); c.593A>G, p.Gln198Arg (NM_001329945.2, NM_001364700.1, NM_001364701.2 and 1 more transcripts); c.1007A>G, p.Gln336Arg (NM_001244189.2); c.803A>G, p.Gln268Arg (NM_001244190.2); short protein forms Q239R, Q198R, Q268R, Q336R, Q283R, Q143R.
Identifiers: ClinVar variation 1433613 (VCV001433613.6), dbSNP rs772425621, ClinGen allele CA7205497.

ClinVar aggregate classification (germline): Uncertain significance (1 of 4 stars; one submission).

Conditions:
Joubert syndrome 23 (JBTS23). Identifiers: Orphanet 475, MedGen C4084822, MONDO:0014664, OMIM 616490.
Short-rib thoracic dysplasia 14 with polydactyly (SRTD14). Identifiers: Orphanet 397715, MedGen C4225286, MONDO:0014688, OMIM 616546.

Allele frequency attached by ClinVar (database versions not stated): gnomAD exomes below 0.00001 and 0.00001; ExAC 0.00001.
gnomAD v4.1: 2 of 1,606,450 alleles (0.00012%); highest among the groups gnomAD compares: Admixed American, 0.0033%; no homozygotes.

Submission:

Labcorp Genetics (formerly Invitae), Labcorp
Classification: Uncertain significance for Joubert syndrome 23; Short-rib thoracic dysplasia 14 with polydactyly. Last evaluated: 2022-04-19. Review status: criteria provided, single submitter. Criteria: Invitae Variant Classification Sherloc (09022015). Collection method: clinical testing. Allele origin: germline.
Comment: In summary, the available evidence is currently insufficient to determine the role of this variant in disease. Therefore, it has been classified as a Variant of Uncertain Significance. Algorithms developed to predict the effect of missense changes on protein structure and function are either unavailable or do not agree on the potential impact of this missense change (SIFT: "Deleterious"; PolyPhen-2: "Probably Damaging"; Align-GVGD: "Class C0"). This variant has not been reported in the literature in individuals affected with KIAA0586-related conditions. This variant is present in population databases (rs772425621, gnomAD 0.006%). This sequence change replaces glutamine, which is neutral and polar, with arginine, which is basic and polar, at codon 336 of the KIAA0586 protein (p.Gln336Arg).